The following is an entry in ClinVar:

ClinVar aggregate classification (germline): Uncertain significance. Review status: criteria provided, multiple submitters, no conflicts (2 of 4 stars). 2 submissions from 2 submitters: Uncertain significance (2). Last evaluated 2025-09-23.

Conditions:
Hereditary cancer-predisposing syndrome. Also called: Hereditary Cancer Syndrome; Neoplastic Syndromes, Hereditary; Tumor predisposition; Hereditary neoplastic syndrome. Identifiers: Orphanet 140162, MedGen C0027672, MeSH D009386, MONDO:0015356.

Submissions (2):

Ambry Genetics
Classification: Uncertain significance for Hereditary cancer-predisposing syndrome. Last evaluated: 2025-09-23. Review status: criteria provided, single submitter. Criteria: Ambry Variant Classification Scheme 2023. Collection method: clinical testing. Allele origin: germline.
Comment: The p.I1716T variant (also known as c.5147T>C), located in coding exon 38 of the POLE gene, results from a T to C substitution at nucleotide position 5147. The isoleucine at codon 1716 is replaced by threonine, an amino acid with similar properties. This amino acid position is conserved. In addition, the in silico prediction for this alteration is inconclusive. Based on the available evidence, the clinical significance of this variant remains unclear.

Labcorp Genetics (formerly Invitae), Labcorp
Classification: Uncertain significance. Last evaluated: 2020-07-17. Review status: criteria provided, single submitter. Criteria: Invitae Variant Classification Sherloc (09022015). Collection method: clinical testing. Allele origin: germline.
Comment: This sequence change replaces isoleucine with threonine at codon 1716 of the POLE protein (p.Ile1716Thr). The isoleucine residue is highly conserved and there is a moderate physicochemical difference between isoleucine and threonine. This variant is not present in population databases (ExAC no frequency). This variant has not been reported in the literature in individuals with POLE-related conditions. Algorithms developed to predict the effect of missense changes on protein structure and function are either unavailable or do not agree on the potential impact of this missense change (SIFT: "Deleterious"; PolyPhen-2: "Benign"; Align-GVGD: "Class C0"). In summary, the available evidence is currently insufficient to determine the role of this variant in disease. Therefore, it has been classified as a Variant of Uncertain Significance.

NM_006231.4(POLE):c.5147T>C (p.Ile1716Thr)

Gene: POLE (DNA polymerase epsilon, catalytic subunit; minus strand). Cytogenetic location: 12q24.33.
Variant type: single nucleotide variant.
Coding change: c.5147T>C on transcript NM_006231.4 (MANE Select); coding-DNA position 5147, T replaced by C.
Protein change: p.Ile1716Thr; replaces isoleucine 1716 with threonine.
Molecular consequence: missense variant.
Genome position (GRCh38, 1-based): chr12:132,642,203, A>G on the plus strand (T>C on the coding strand, the complement: POLE is on the minus strand). VCF-style: chr12-132642203-A-G. GRCh37 (hg19) VCF-style: chr12-133218789-A-G.
Other names: c.5147T>C (NM_006231.2); short protein forms I1716T.
Identifiers: ClinVar variation 1024356 (VCV001024356.9), dbSNP rs2042160664, ClinGen allele CA387376706.
Genomic context (GRCh38, chr12:132,642,203, plus strand): 5'-AGGTCTCATGGGCCTCGTCCTCCCGCCCACTTACCTGTGGAGTAACAGCCTGAACTGTTG[A>G]TCTCAACAGTGGCTTGGTCATCGAACTCCATGACAAGACAGTTGTCATCAGCCTCCTTTC-3'
Protein context (NP_006222.2, residues 1706-1726): MEFDDQATVE[Ile1716Thr]NSSGCYSTVC